The following is an entry in ClinVar:

NM_021083.4(XK):c.413G>A (p.Arg138Gln)

Gene: XK (X-linked Kx blood group antigen, Kell and VPS13A binding protein; plus strand). Cytogenetic location: Xp21.1.
Variant type: single nucleotide variant.
Coding change: c.413G>A on transcript NM_021083.4 (MANE Select); coding-DNA position 413, G replaced by A.
Protein change: p.Arg138Gln; replaces arginine 138 with glutamine.
Molecular consequence: missense variant.
Genome position (GRCh38, 1-based): chrX:37,694,453, G>A. VCF-style: chrX-37694453-G-A. GRCh37 (hg19) VCF-style: chrX-37553706-G-A.
Other names: short protein forms R138Q.
Identifiers: ClinVar variation 3771484 (VCV003771484.13).
Genomic context (GRCh38, chrX:37,694,453, plus strand): 5'-TTGAGAAGGAGGTGGGCCAGGCAGAAGGCAAACTAATCACCCACCGATCAGCGTTCAGCC[G>A]GGCGTCGGTGATCCAGGCTTTCTTGGGCTCAGCCCCCCAGCTGACCCTACAGCTGTACAT-3'
Protein context (NP_066569.1, residues 128-148): KLITHRSAFS[Arg138Gln]ASVIQAFLGS

ClinVar aggregate classification (germline): Uncertain significance (1 of 4 stars; one submission).

gnomAD v4.1: 4 of 1,191,615 alleles (0.00034%); highest among the groups gnomAD compares: Non-Finnish European, 0.00034%; no homozygotes.

Submission:

CeGaT Center for Human Genetics Tuebingen
Classification: Uncertain significance. Last evaluated: 2025-01-01. Review status: criteria provided, single submitter. Criteria: CeGaT Center For Human Genetics Tuebingen Variant Classification Criteria Version 2. Collection method: clinical testing. Allele origin: germline. Affected: yes. Observed: 1 variant allele.
Comment: XK: PM2